The following is an entry in ClinVar:

ClinVar aggregate classification (germline): Likely benign. Review status: criteria provided, single submitter (1 of 4 stars). 3 submissions from 3 submitters: Likely benign (1). 2 of the submissions do not count toward it. Last evaluated 2023-11-01.

Conditions:
BCORL1-related disorder. Also called: BCORL1-related condition.

Allele frequency attached by ClinVar (database versions not stated): 1000 Genomes Project 30x 0.00021; 1000 Genomes Project 0.00026; ExAC 0.00030; gnomAD exomes 0.00033 and 0.00075; TOPMed 0.00041; ESP Exome Variant Server 0.00047; gnomAD 0.00048 and 0.00050.
gnomAD v4.1: 871 of 1,211,079 alleles (0.072%); highest among the groups gnomAD compares: Non-Finnish European, 0.094%; no homozygotes.

Submissions (3):

CeGaT Center for Human Genetics Tuebingen
Classification: Likely benign. Last evaluated: 2023-11-01. Review status: criteria provided, single submitter. Criteria: CeGaT Center For Human Genetics Tuebingen Variant Classification Criteria Version 2. Collection method: clinical testing. Allele origin: germline. Affected: yes. Observed: 4 variant alleles.
Comment: BCORL1: BP4, BS2

PreventionGenetics, part of Exact Sciences
Classification: Likely benign for BCORL1-related condition. Last evaluated: 2020-10-30. Review status: no assertion criteria provided. Collection method: clinical testing. Allele origin: germline. Not counted in ClinVar's aggregate classification.
Comment: This variant is classified as likely benign based on ACMG/AMP sequence variant interpretation guidelines (Richards et al. 2015 PMID: 25741868, with internal and published modifications).

Department of Pathology and Laboratory Medicine, Sinai Health System
Classification: Likely benign. Review status: no assertion criteria provided. Collection method: clinical testing. Allele origin: unknown. Affected: yes. Study: The Canadian Open Genetics Repository (COGR). Not counted in ClinVar's aggregate classification.
Comment: The BCORL1 p.Gly883Glu variant was identified as a somatic, blood-specific mutation in one individual with lung adenocarcinoma (Xie_2014_PMID:25326804). The variant was not identified in the ClinVar database but was identified in dbSNP (ID: rs138477961) and LOVD 3.0 (reported as likely benign). The variant was identified in control databases in 67 of 205290 chromosomes (27 hemizygous) at a frequency of 0.0003264 (Genome Aggregation Database March 6, 2019, v2.1.1). The variant was observed in the following populations: European (non-Finnish) in 65 of 92536 chromosomes (freq: 0.000702) and Other in 1 of 5341 chromosomes (freq: 1), but was not observed in the African, Latino, Ashkenazi Jewish, East Asian, European (Finnish), or South Asian populations. The p.Gly883 residue is conserved in mammals and computational analyses (PolyPhen-2, SIFT, AlignGVGD, BLOSUM, MutationTaster) provide inconsistent predictions regarding the impact to the protein; this information is not very predictive of pathogenicity. The variant occurs outside of the splicing consensus sequence and in silico or computational prediction software programs (SpliceSiteFinder, MaxEntScan, NNSPLICE, GeneSplicer) do not predict a difference in splicing. In summary, based on the above information the clinical significance of this variant cannot be determined with certainty at this time although we would lean towards a more benign role for this variant. This variant is classified as likely benign.

NM_001379451.1(BCORL1):c.2648G>A (p.Gly883Glu)

Gene: BCORL1 (BCL6 corepressor like 1; plus strand). Cytogenetic location: Xq26.1.
Variant type: single nucleotide variant.
Coding change: c.2648G>A on transcript NM_001379451.1 (MANE Select); coding-DNA position 2648, G replaced by A.
Protein change: p.Gly883Glu; replaces glycine 883 with glutamic acid.
Molecular consequence: missense variant.
Genome position (GRCh38, 1-based): chrX:130,015,420, G>A. VCF-style: chrX-130015420-G-A. GRCh37 (hg19) VCF-style: chrX-129149396-G-A.
Other names: c.2648G>A, p.Gly883Glu (NM_001184772.3, NM_001379450.1, NM_021946.5); c.2648G>A (NM_021946.4); short protein forms G883E.
Identifiers: ClinVar variation 1049421 (VCV001049421.26), dbSNP rs138477961, ClinGen allele CA10514389.